The following is an entry in ClinVar:

NM_000089.4(COL1A2):c.3202A>G (p.Thr1068Ala)

Gene: COL1A2 (collagen type I alpha 2 chain; plus strand). Cytogenetic location: 7q21.3.
Variant type: single nucleotide variant.
Coding change: c.3202A>G on transcript NM_000089.4 (MANE Select); coding-DNA position 3202, A replaced by G.
Protein change: p.Thr1068Ala; replaces threonine 1068 with alanine.
Molecular consequence: missense variant.
Genome position (GRCh38, 1-based): chr7:94,427,230, A>G. VCF-style: chr7-94427230-A-G. GRCh37 (hg19) VCF-style: chr7-94056542-A-G.
Other names: short protein forms T1068A.
Identifiers: ClinVar variation 3755834 (VCV003755834.2).
Genomic context (GRCh38, chr7:94,427,230, plus strand): 5'-GGTGTCTGTCTTCCTTAGGGCCCTGCTGGTCCTTCTGGCCCTGCTGGAAAAGATGGTCGC[A>G]CTGGACATCCTGGTACAGTTGGACCTGCTGGCATTCGAGGCCCTCAGGGTCACCAAGGCC-3'
Protein context (NP_000080.2, residues 1058-1078): PSGPAGKDGR[Thr1068Ala]GHPGTVGPAG

ClinVar aggregate classification (germline): Uncertain significance (1 of 4 stars; one submission).

Conditions:
Ehlers-Danlos syndrome, classic type, 1 (EDSCL1). Also called: EHLERS-DANLOS SYNDROME, GRAVIS TYPE; EHLERS-DANLOS SYNDROME, SEVERE CLASSIC TYPE; Ehlers-Danlos syndrome, type 1; Ehlers-Danlos Syndrome, Classic Type, COL5A1-Related; EDS I. Identifiers: MedGen C0268335, MONDO:0019567, OMIM 130000.
Osteogenesis imperfecta type I (OI1). Also called: OI, TYPE I; OSTEOGENESIS IMPERFECTA TARDA; OSTEOGENESIS IMPERFECTA WITH BLUE SCLERAE; Osteogenesis imperfecta type 1; Lobstein's Disease; Lobstein disease. Identifiers: Orphanet 216796, Orphanet 666, MedGen C0023931, MONDO:0008146, OMIM 166200. Disease mechanism: loss of function.

gnomAD v4.1: 4 of 1,614,032 alleles (0.00025%); highest among the groups gnomAD compares: South Asian, 0.0033%; no homozygotes.

Submission:

Labcorp Genetics (formerly Invitae), Labcorp
Classification: Uncertain significance for Osteogenesis imperfecta type I; Ehlers-Danlos syndrome, classic type, 1. Last evaluated: 2024-10-03. Review status: criteria provided, single submitter. Criteria: Invitae Variant Classification Sherloc (09022015). Collection method: clinical testing. Allele origin: germline.
Comment: This sequence change replaces threonine, which is neutral and polar, with alanine, which is neutral and non-polar, at codon 1068 of the COL1A2 protein (p.Thr1068Ala). This variant is present in population databases (no rsID available, gnomAD 0.006%). This missense change has been observed in individual(s) with osteogenesis imperfecta (PMID: 37270749). Invitae Evidence Modeling of protein sequence and biophysical properties (such as structural, functional, and spatial information, amino acid conservation, physicochemical variation, residue mobility, and thermodynamic stability) indicates that this missense variant is not expected to disrupt COL1A2 protein function with a negative predictive value of 95%. In summary, the available evidence is currently insufficient to determine the role of this variant in disease. Therefore, it has been classified as a Variant of Uncertain Significance.

Literature cited by the submitters: PubMed 37270749.